The following is an entry in ClinVar:

NM_012144.4(DNAI1):c.119A>G (p.Asp40Gly)

Gene: DNAI1 (dynein axonemal intermediate chain 1; plus strand). Cytogenetic location: 9p13.3.
Variant type: single nucleotide variant.
Coding change: c.119A>G on transcript NM_012144.4 (MANE Select); coding-DNA position 119, A replaced by G.
Protein change: p.Asp40Gly; replaces aspartic acid 40 with glycine.
Molecular consequence: missense variant.
Genome position (GRCh38, 1-based): chr9:34,485,179, A>G. VCF-style: chr9-34485179-A-G. GRCh37 (hg19) VCF-style: chr9-34485177-A-G.
Other names: c.119A>G, p.Asp40Gly (NM_001281428.2); c.119A>G (NM_012144.2); short protein forms D40G.
Identifiers: ClinVar variation 965866 (VCV000965866.11), dbSNP rs553371109, ClinGen allele CA5033935.

ClinVar aggregate classification (germline): Conflicting classifications of pathogenicity. Review status: criteria provided, conflicting classifications (1 of 4 stars). 4 submissions from 4 submitters: Uncertain significance (2); Likely benign (1). 1 of the submissions does not count toward it. Last evaluated 2024-10-23.

Conditions:
Primary ciliary dyskinesia. Also called: Ciliary dyskinesia. Identifiers: Orphanet 244, MedGen C0008780, MONDO:0016575, HP:0012265.

Allele frequency attached by ClinVar (database versions not stated): gnomAD below 0.00001 and 0.00003; gnomAD exomes 0.00005 and 0.00010; ExAC 0.00014; 1000 Genomes Project 0.00020; 1000 Genomes Project 30x 0.00031.
gnomAD v4.1: 76 of 1,614,216 alleles (0.0047%); highest among the groups gnomAD compares: South Asian, 0.082%; no homozygotes.

Submissions (4):

Blueprint Genetics
Classification: Uncertain significance. Last evaluated: 2024-10-23. Review status: criteria provided, single submitter. Criteria: ACMG Guidelines, 2015. Collection method: clinical testing. Allele origin: germline.

Ambry Genetics
Classification: Likely benign for Primary ciliary dyskinesia. Last evaluated: 2021-10-27. Review status: criteria provided, single submitter. Criteria: Ambry Variant Classification Scheme 2023. Collection method: clinical testing. Allele origin: germline.

Labcorp Genetics (formerly Invitae), Labcorp
Classification: Uncertain significance for Primary ciliary dyskinesia. Last evaluated: 2021-08-24. Review status: criteria provided, single submitter. Criteria: Invitae Variant Classification Sherloc (09022015). Collection method: clinical testing. Allele origin: germline.
Comment: This sequence change replaces aspartic acid with glycine at codon 40 of the DNAI1 protein (p.Asp40Gly). The aspartic acid residue is highly conserved and there is a moderate physicochemical difference between aspartic acid and glycine. This variant is present in population databases (rs553371109, ExAC 0.1%). This variant has not been reported in the literature in individuals affected with DNAI1-related conditions. Algorithms developed to predict the effect of missense changes on protein structure and function (SIFT, PolyPhen-2, Align-GVGD) all suggest that this variant is likely to be tolerated. Algorithms developed to predict the effect of sequence changes on RNA splicing suggest that this variant may create or strengthen a splice site. In summary, the available evidence is currently insufficient to determine the role of this variant in disease. Therefore, it has been classified as a Variant of Uncertain Significance.

Natera, Inc.
Classification: Uncertain significance for Primary ciliary dyskinesia. Last evaluated: 2020-01-19. Review status: no assertion criteria provided. Collection method: clinical testing. Allele origin: germline. Not counted in ClinVar's aggregate classification.